The following is an entry in ClinVar:

NM_004369.4(COL6A3):c.8924C>G (p.Ala2975Gly)

Gene: COL6A3 (collagen type VI alpha 3 chain; minus strand). Cytogenetic location: 2q37.3.
Variant type: single nucleotide variant.
Coding change: c.8924C>G on transcript NM_004369.4 (MANE Select); coding-DNA position 8924, C replaced by G.
Protein change: p.Ala2975Gly; replaces alanine 2975 with glycine.
Molecular consequence: missense variant.
Genome position (GRCh38, 1-based): chr2:237,336,176, G>C on the plus strand (C>G on the coding strand, the complement: COL6A3 is on the minus strand). VCF-style: chr2-237336176-G-C. GRCh37 (hg19) VCF-style: chr2-238244819-G-C.
Other names: c.7103C>G, p.Ala2368Gly (NM_057166.5); c.8306C>G, p.Ala2769Gly (NM_057167.4); short protein forms A2368G, A2769G, A2975G.
Identifiers: ClinVar variation 4740664 (VCV004740664.1).

ClinVar aggregate classification (germline): Uncertain significance (1 of 4 stars; one submission).

Conditions:
Bethlem myopathy 1A. Also called: MYOPATHY, BENIGN CONGENITAL, WITH CONTRACTURES; Bethlem myopathy 1; Bethlem Muscular Dystrophy. Identifiers: Orphanet 610, MedGen CN029274, MONDO:0024530, OMIM 158810.

Submission:

Labcorp Genetics (formerly Invitae), Labcorp
Classification: Uncertain significance for Bethlem myopathy 1A. Last evaluated: 2026-01-17. Review status: criteria provided, single submitter. Criteria: Invitae Variant Classification Sherloc (09022015). Collection method: clinical testing. Allele origin: germline.
Comment: This sequence change replaces alanine, which is neutral and non-polar, with glycine, which is neutral and non-polar, at codon 2975 of the COL6A3 protein (p.Ala2975Gly). This variant is not present in population databases (gnomAD no frequency). This variant has not been reported in the literature in individuals affected with COL6A3-related conditions. Invitae Evidence Modeling of protein sequence and biophysical properties (such as structural, functional, and spatial information, amino acid conservation, physicochemical variation, residue mobility, and thermodynamic stability) indicates that this missense variant is not expected to disrupt COL6A3 protein function with a negative predictive value of 95%. In summary, the available evidence is currently insufficient to determine the role of this variant in disease. Therefore, it has been classified as a Variant of Uncertain Significance.